The following is an entry in ClinVar:

ClinVar aggregate classification (germline): Uncertain significance (1 of 4 stars; one submission).

Conditions:
RYR1-related disorder. Also called: RYR1-related condition; RYR1-related disorders. Identifiers: MedGen CN239331.

Submission:

Labcorp Genetics (formerly Invitae), Labcorp
Classification: Uncertain significance for RYR1-related disorder. Last evaluated: 2022-02-09. Review status: criteria provided, single submitter. Criteria: Invitae Variant Classification Sherloc (09022015). Collection method: clinical testing. Allele origin: germline.
Comment: This sequence change replaces glutamine, which is neutral and polar, with arginine, which is basic and polar, at codon 3969 of the RYR1 protein (p.Gln3969Arg). This variant is not present in population databases (gnomAD no frequency). This variant has not been reported in the literature in individuals affected with RYR1-related conditions. ClinVar contains an entry for this variant (Variation ID: 478167). Algorithms developed to predict the effect of missense changes on protein structure and function (SIFT, PolyPhen-2, Align-GVGD) all suggest that this variant is likely to be tolerated. Algorithms developed to predict the effect of sequence changes on RNA splicing suggest that this variant may disrupt the consensus splice site. This variant disrupts the p.Gln3969 amino acid residue in RYR1. Other variant(s) that disrupt this residue have been determined to be pathogenic (PMID: 25960145, 31166712). This suggests that this residue is clinically significant, and that variants that disrupt this residue are likely to be disease-causing. In summary, the available evidence is currently insufficient to determine the role of this variant in disease. Therefore, it has been classified as a Variant of Uncertain Significance.

Literature cited by the submitters: PubMed 25960145; PubMed 31166712.

NM_000540.3(RYR1):c.11906A>G (p.Gln3969Arg)

Gene: RYR1 (ryanodine receptor 1; plus strand). Cytogenetic location: 19q13.2.
Variant type: single nucleotide variant.
Coding change: c.11906A>G on transcript NM_000540.3 (MANE Select); coding-DNA position 11906, A replaced by G.
Protein change: p.Gln3969Arg; replaces glutamine 3969 with arginine.
Molecular consequence: missense variant.
Genome position (GRCh38, 1-based): chr19:38,543,659, A>G. VCF-style: chr19-38543659-A-G. GRCh37 (hg19) VCF-style: chr19-39034299-A-G.
Other names: c.11891A>G, p.Gln3964Arg (NM_001042723.2); short protein forms Q3969R, Q3964R.
Identifiers: ClinVar variation 478167 (VCV000478167.10), dbSNP rs1555794268, ClinGen allele CA405662568.
Genomic context (GRCh38, chr19:38,543,659, plus strand): 5'-ACTTCTCCAAAGCCATGTCGGTGGCTAAGCAGGTGTTCAACAGCCTCACTGAGTACATCC[A>G]GGTAGGGCGCTCCCCCTGGGGCGGGAGTGGGAAGGGAGGGGGTCCCGCATCGTGATCCCT-3'
Protein context (NP_000531.2, residues 3959-3979): QVFNSLTEYI[Gln3969Arg]GPCTGNQQSL